The following is an entry in ClinVar:

NM_003982.4(SLC7A7):c.1211G>A (p.Arg404His)

Gene: SLC7A7 (solute carrier family 7 member 7; minus strand). Cytogenetic location: 14q11.2.
Variant type: single nucleotide variant.
Coding change: c.1211G>A on transcript NM_003982.4 (MANE Select); coding-DNA position 1211, G replaced by A.
Protein change: p.Arg404His; replaces arginine 404 with histidine.
Molecular consequence: missense variant.
Genome position (GRCh38, 1-based): chr14:22,774,388, C>T on the plus strand (G>A on the coding strand, the complement: SLC7A7 is on the minus strand). VCF-style: chr14-22774388-C-T. GRCh37 (hg19) VCF-style: chr14-23243597-C-T.
Other names: c.1211G>A, p.Arg404His (NM_001126105.3, NM_001126106.4); short protein forms R404H.
Identifiers: ClinVar variation 969815 (VCV000969815.12), dbSNP rs201305817, ClinGen allele CA7104463.

ClinVar aggregate classification (germline): Uncertain significance. Review status: criteria provided, multiple submitters, no conflicts (2 of 4 stars). 4 submissions from 4 submitters: Uncertain significance (3). 1 of the submissions does not count toward it. Last evaluated 2024-03-01.

Conditions:
Autoinflammatory syndrome. Identifiers: Orphanet 93665, MedGen C3890737, MONDO:0019751.
Lysinuric protein intolerance (LPI). Identifiers: Orphanet 470, MedGen C0268647, MONDO:0009109, OMIM 222700.

Allele frequency attached by ClinVar (database versions not stated): gnomAD exomes below 0.00001; ExAC 0.00001; TOPMed 0.00004; ESP Exome Variant Server 0.00008.
gnomAD v4.1: 80 of 1,613,988 alleles (0.005%); highest among the groups gnomAD compares: Non-Finnish European, 0.0064%; no homozygotes.

Submissions (4):

Fulgent Genetics
Classification: Uncertain significance for Lysinuric protein intolerance. Last evaluated: 2024-03-01. Review status: criteria provided, single submitter. Criteria: ACMG Guidelines, 2015. Collection method: clinical testing. Allele origin: germline.

Labcorp Genetics (formerly Invitae), Labcorp
Classification: Uncertain significance for Lysinuric protein intolerance. Last evaluated: 2022-06-04. Review status: criteria provided, single submitter. Criteria: Invitae Variant Classification Sherloc (09022015). Collection method: clinical testing. Allele origin: germline.
Comment: This sequence change replaces arginine, which is basic and polar, with histidine, which is basic and polar, at codon 404 of the SLC7A7 protein (p.Arg404His). This variant is present in population databases (rs201305817, gnomAD 0.004%). This variant has not been reported in the literature in individuals affected with SLC7A7-related conditions. ClinVar contains an entry for this variant (Variation ID: 969815). Algorithms developed to predict the effect of missense changes on protein structure and function (SIFT, PolyPhen-2, Align-GVGD) all suggest that this variant is likely to be disruptive. In summary, the available evidence is currently insufficient to determine the role of this variant in disease. Therefore, it has been classified as a Variant of Uncertain Significance.

Genome Diagnostics Laboratory, The Hospital for Sick Children
Classification: Uncertain significance for Autoinflammatory syndrome. Last evaluated: 2018-10-01. Review status: criteria provided, single submitter. Criteria: ACMG Guidelines, 2015. Collection method: clinical testing. Allele origin: germline. Affected: yes.

Natera, Inc.
Classification: Uncertain significance for Lysinuric protein intolerance. Last evaluated: 2020-05-25. Review status: no assertion criteria provided. Collection method: clinical testing. Allele origin: germline. Not counted in ClinVar's aggregate classification.